The following is an entry in ClinVar:

NM_000263.4(NAGLU):c.953_957del (p.Gln318fs)

Gene: NAGLU (N-acetyl-alpha-glucosaminidase; plus strand). Cytogenetic location: 17q21.2.
Variant type: Deletion.
Coding change: c.953_957del on transcript NM_000263.4 (MANE Select); coding-DNA positions 953 to 957, 5 bases deleted (AGCCA; older notation c.953_957delAGCCA).
Protein change: p.Gln318fs; shifts the reading frame from glutamine 318.
Molecular consequence: frameshift variant.
Genome position (GRCh38, 1-based): chr17:42,541,138-42,541,142, AGCCA deleted. VCF-style (leftmost placement, unchanged base first): chr17-42541137-CAGCCA-C. GRCh37 (hg19) VCF-style: chr17-40693155-CAGCCA-C.
Other names: short protein forms Q318fs.
Identifiers: ClinVar variation 1456478 (VCV001456478.8), dbSNP rs2143099555, ClinGen allele CA2573153971.

ClinVar aggregate classification (germline): Pathogenic (1 of 4 stars; one submission).

Conditions:
Mucopolysaccharidosis, MPS-III-B (MPS3B). Also called: N-ACETYL-ALPHA-D-GLUCOSAMINIDASE DEFICIENCY; NAGLU DEFICIENCY; SANFILIPPO SYNDROME B; MPS III B; MPS IIIB (Sanfilippo Syndrome Type B); MUCOPOLYSACCHARIDOSIS, TYPE IIIB. Identifiers: Orphanet 79270, MedGen C0086648, MONDO:0009656, OMIM 252920.
Charcot-Marie-Tooth disease axonal type 2V. Also called: CHARCOT-MARIE-TOOTH NEUROPATHY, TYPE 2V; CHARCOT-MARIE-TOOTH DISEASE, AXONAL, AUTOSOMAL DOMINANT, TYPE 2V. Identifiers: Orphanet 447964, MedGen C5569050, MONDO:0014665, OMIM 616491.

Submission:

Labcorp Genetics (formerly Invitae), Labcorp
Classification: Pathogenic for Charcot-Marie-Tooth disease axonal type 2V; Mucopolysaccharidosis, MPS-III-B. Last evaluated: 2020-11-21. Review status: criteria provided, single submitter. Criteria: Invitae Variant Classification Sherloc (09022015). Collection method: clinical testing. Allele origin: germline.
Comment: This variant is not present in population databases (ExAC no frequency). This sequence change creates a premature translational stop signal (p.Gln318Profs*17) in the NAGLU gene. While this is not anticipated to result in nonsense mediated decay, it is expected to disrupt the last 426 amino acid(s) of the NAGLU protein. This variant has not been reported in the literature in individuals with NAGLU-related conditions. For these reasons, this variant has been classified as Pathogenic. This variant disrupts the C-terminus of the NAGLU protein. Other variant(s) that disrupt this region (p.Gln706*) have been determined to be pathogenic (PMID: 9443875). This suggests that variants that disrupt this region of the protein are likely to be causative of disease.

Literature cited by the submitters: PubMed 9443875.